The following is an entry in ClinVar:

ClinVar aggregate classification (germline): Conflicting classifications of pathogenicity. Review status: criteria provided, conflicting classifications (1 of 4 stars). 3 submissions from 3 submitters: Uncertain significance (1); Likely benign (1). 1 of the submissions does not count toward it. Last evaluated 2018-01-12.

Conditions:
ALG6-congenital disorder of glycosylation 1C (CDG1C). Also called: CDG Ic; CARBOHYDRATE-DEFICIENT GLYCOPROTEIN SYNDROME, TYPE I, WITH DEFICIENT GLYCOSYLATION OF DOLICHOL-LINKED OLIGOSACCHARIDE; CARBOHYDRATE-DEFICIENT GLYCOPROTEIN SYNDROME, TYPE V; Congenital disorder of glycosylation type 1C; Congenital disorder of glycosylation, type Ic. Identifiers: Orphanet 79320, MedGen C2930997, MONDO:0011291, OMIM 603147.
ALG6-related disorder. Also called: ALG6-related condition.

Allele frequency attached by ClinVar (database versions not stated): gnomAD 0.00184 and 0.00186; gnomAD exomes 0.00189; TOPMed 0.00216; 1000 Genomes Project 30x 0.00219; 1000 Genomes Project 0.00220.
gnomAD v4.1: 1,079 of 565,884 alleles (0.19%); highest among the groups gnomAD compares: Admixed American, 0.38%; 1 homozygote.

Submissions (3):

Illumina Laboratory Services, Illumina
Classification: Uncertain significance for ALG6-congenital disorder of glycosylation 1C. Last evaluated: 2018-01-12. Review status: criteria provided, single submitter. Criteria: ICSL Variant Classification Criteria 13 December 2019. Collection method: clinical testing. Allele origin: germline.

GeneDx
Classification: Likely benign. Last evaluated: 2017-11-29. Review status: criteria provided, single submitter. Criteria: GeneDx Variant Classification (06012015). Collection method: clinical testing. Allele origin: germline. Affected: yes.
Comment: This variant is considered likely benign or benign based on one or more of the following criteria: it is a conservative change, it occurs at a poorly conserved position in the protein, it is predicted to be benign by multiple in silico algorithms, and/or has population frequency not consistent with disease.

PreventionGenetics, part of Exact Sciences
Classification: Likely benign for ALG6-related condition. Last evaluated: 2021-10-18. Review status: no assertion criteria provided. Collection method: clinical testing. Allele origin: germline. Not counted in ClinVar's aggregate classification.
Comment: This variant is classified as likely benign based on ACMG/AMP sequence variant interpretation guidelines (Richards et al. 2015 PMID: 25741868, with internal and published modifications).

NM_013339.4(ALG6):c.-207-12T>C

Gene: ALG6 (ALG6 alpha-1,3-glucosyltransferase; plus strand). Cytogenetic location: 1p31.3.
Variant type: single nucleotide variant.
Coding change: c.-207-12T>C on transcript NM_013339.4 (MANE Select); 12 bases into the intron before 207 bases upstream of the start codon, T replaced by C.
Molecular consequence: intron variant.
Genome position (GRCh38, 1-based): chr1:63,370,759, T>C. VCF-style: chr1-63370759-T-C. GRCh37 (hg19) VCF-style: chr1-63836430-T-C.
Other names: c.-207-12T>C (LRG_1260t1).
Identifiers: ClinVar variation 297842 (VCV000297842.7), dbSNP rs183861757, ClinGen allele CA10610600.